The following is an entry in ClinVar:

NM_001148.6(ANK2):c.3535G>A (p.Val1179Met)

Gene: ANK2 (ankyrin 2; plus strand). Cytogenetic location: 4q26.
Variant type: single nucleotide variant.
Coding change: c.3535G>A on transcript NM_001148.6 (MANE Select); coding-DNA position 3535, G replaced by A.
Protein change: p.Val1179Met; replaces valine 1179 with methionine.
Molecular consequence: missense variant. On other transcripts: 5 prime UTR variant (2).
Genome position (GRCh38, 1-based): chr4:113,336,001, G>A. VCF-style: chr4-113336001-G-A. GRCh37 (hg19) VCF-style: chr4-114257157-G-A.
Other names: c.3508G>A, p.Val1170Met (NM_001127493.3); c.3547G>A, p.Val1183Met (NM_001354225.2); c.3436G>A, p.Val1146Met (NM_001354228.2, NM_001354258.2); c.3514G>A, p.Val1172Met (NM_001354230.2); c.3577G>A, p.Val1193Met (NM_001354231.2, NM_001354242.2); c.3571G>A, p.Val1191Met (NM_001354232.2); c.3532G>A, p.Val1178Met (NM_001354235.2, NM_001354246.2, NM_001354265.2); c.3433G>A, p.Val1145Met (NM_001354236.2); and 31 more; short protein forms V1018M, V1051M, V1079M, V1084M, V1092M, V1104M, V1108M, V1112M.
Identifiers: ClinVar variation 1320755 (VCV001320755.2), dbSNP rs1331314687, ClinGen allele CA357937846.

ClinVar aggregate classification (germline): Uncertain significance (1 of 4 stars; one submission).

Allele frequency attached by ClinVar (database versions not stated): gnomAD exomes below 0.00001.
gnomAD v4.1: 4 of 1,614,152 alleles (0.00025%); highest among the groups gnomAD compares: Non-Finnish European, 0.00034%; no homozygotes.

Submission:

GeneDx
Classification: Uncertain significance. Last evaluated: 2020-05-13. Review status: criteria provided, single submitter. Criteria: GeneDx Variant Classification Process June 2021. Collection method: clinical testing. Allele origin: germline. Affected: yes.
Comment: Not observed in large population cohorts (Lek et al., 2016); In silico analysis supports that this missense variant has a deleterious effect on protein structure/function; Has not been previously published as pathogenic or benign to our knowledge